The following is an entry in ClinVar:

NM_006031.6(PCNT):c.7891C>T (p.Gln2631Ter)

Gene: PCNT (pericentrin; plus strand). Cytogenetic location: 21q22.3.
Variant type: single nucleotide variant.
Coding change: c.7891C>T on transcript NM_006031.6 (MANE Select); coding-DNA position 7891, C replaced by T.
Protein change: p.Gln2631Ter; replaces glutamine 2631 with a stop codon.
Molecular consequence: nonsense.
Genome position (GRCh38, 1-based): chr21:46,430,210, C>T. VCF-style: chr21-46430210-C-T. GRCh37 (hg19) VCF-style: chr21-47850124-C-T.
Other names: c.7537C>T, p.Gln2513Ter (NM_001315529.2); short protein forms Q2513*, Q2631*.
Identifiers: ClinVar variation 2791267 (VCV002791267.3), dbSNP rs2518989900, ClinGen allele CA410571999.

ClinVar aggregate classification (germline): Pathogenic (1 of 4 stars; one submission).

Allele frequency attached by ClinVar (database versions not stated): gnomAD exomes below 0.00001.
gnomAD v4.1: 2 of 1,613,674 alleles (0.00012%); highest among the groups gnomAD compares: Non-Finnish European, 0.00017%; no homozygotes.

Submission:

Labcorp Genetics (formerly Invitae), Labcorp
Classification: Pathogenic. Last evaluated: 2022-12-29. Review status: criteria provided, single submitter. Criteria: Invitae Variant Classification Sherloc (09022015). Collection method: clinical testing. Allele origin: germline.
Comment: For these reasons, this variant has been classified as Pathogenic. This variant has not been reported in the literature in individuals affected with PCNT-related conditions. This variant is not present in population databases (gnomAD no frequency). This sequence change creates a premature translational stop signal (p.Gln2631*) in the PCNT gene. It is expected to result in an absent or disrupted protein product. Loss-of-function variants in PCNT are known to be pathogenic (PMID: 18174396, 22821869).

Literature cited by the submitters: PubMed 18174396; PubMed 22821869.